The following is an entry in ClinVar:

ClinVar aggregate classification (germline): Pathogenic (1 of 4 stars; one submission).

Conditions:
Primary ciliary dyskinesia. Also called: Ciliary dyskinesia. Identifiers: Orphanet 244, MedGen C0008780, MONDO:0016575, HP:0012265.

Submission:

Labcorp Genetics (formerly Invitae), Labcorp
Classification: Pathogenic for Primary ciliary dyskinesia. Last evaluated: 2023-03-06. Review status: criteria provided, single submitter. Criteria: Invitae Variant Classification Sherloc (09022015). Collection method: clinical testing. Allele origin: germline.
Comment: This variant is not present in population databases (gnomAD no frequency). This sequence change creates a premature translational stop signal (p.Gly2711Valfs*33) in the DNAH5 gene. It is expected to result in an absent or disrupted protein product. Loss-of-function variants in DNAH5 are known to be pathogenic (PMID: 11788826, 16627867). This variant has not been reported in the literature in individuals affected with DNAH5-related conditions. For these reasons, this variant has been classified as Pathogenic.

Literature cited by the submitters: PubMed 11788826; PubMed 16627867.

NM_001369.3(DNAH5):c.8132del (p.Gly2711fs)

Gene: DNAH5 (dynein axonemal heavy chain 5; minus strand). Cytogenetic location: 5p15.2.
Variant type: Deletion.
Coding change: c.8132del on transcript NM_001369.3 (MANE Select); coding-DNA position 8132, one base deleted (G; older notation c.8132delG).
Protein change: p.Gly2711fs; shifts the reading frame from glycine 2711.
Molecular consequence: frameshift variant.
Genome position (GRCh38, 1-based): chr5:13,793,607, C deleted on the plus strand (G on the coding strand, the reverse complement: DNAH5 is on the minus strand); the first of 2 consecutive C bases (chr5:13,793,607-13,793,608); deleting either gives the same sequence. VCF-style (leftmost placement, unchanged base first): chr5-13793606-AC-A. GRCh37 (hg19) VCF-style: chr5-13793715-AC-A.
Other names: short protein forms G2711fs.
Identifiers: ClinVar variation 2793776 (VCV002793776.3), dbSNP rs2546743308, ClinGen allele CA2673271248.